The following is an entry in ClinVar:

ClinVar aggregate classification (germline): Likely pathogenic (1 of 4 stars; one submission).

Conditions:
Methylcobalamin deficiency type cblG (HMAG). Also called: HOMOCYSTINURIA-MEGALOBLASTIC ANEMIA, cblG COMPLEMENTATION TYPE; HOMOCYSTINURIA-MEGALOBLASTIC ANEMIA DUE TO DEFECT IN COBALAMIN METABOLISM, cblG COMPLEMENTATION TYPE; HOMOCYSTINURIA-MEGALOBLASTIC ANEMIA, cblG TYPE; Functional methionine synthase deficiency type cblG. Identifiers: Orphanet 2170, Orphanet 622, MedGen C1855128, MONDO:0009609, OMIM 250940.

Allele frequency attached by ClinVar (database versions not stated): gnomAD exomes below 0.00001.
gnomAD v4.1: 1 of 1,612,220 alleles (0.000062%); highest among the groups gnomAD compares: Non-Finnish European, 0.000085%; no homozygotes.

Submission:

Labcorp Genetics (formerly Invitae), Labcorp
Classification: Likely pathogenic for Methylcobalamin deficiency type cblG. Last evaluated: 2022-11-08. Review status: criteria provided, single submitter. Criteria: Invitae Variant Classification Sherloc (09022015). Collection method: clinical testing. Allele origin: germline.
Comment: This sequence change affects a donor splice site in intron 10 of the MTR gene. It is expected to disrupt RNA splicing. Variants that disrupt the donor or acceptor splice site typically lead to a loss of protein function (PMID: 16199547), and loss-of-function variants in MTR are known to be pathogenic (PMID: 9683607, 12068375). In summary, the currently available evidence indicates that the variant is pathogenic, but additional data are needed to prove that conclusively. Therefore, this variant has been classified as Likely Pathogenic. Algorithms developed to predict the effect of sequence changes on RNA splicing suggest that this variant may disrupt the consensus splice site. ClinVar contains an entry for this variant (Variation ID: 641704). This variant has not been reported in the literature in individuals affected with MTR-related conditions. This variant is not present in population databases (gnomAD no frequency).

Literature cited by the submitters: PubMed 16199547; PubMed 9683607; PubMed 12068375.

NM_000254.3(MTR):c.927+1G>C

Gene: MTR (5-methyltetrahydrofolate-homocysteine methyltransferase; plus strand). Cytogenetic location: 1q43.
Variant type: single nucleotide variant.
Coding change: c.927+1G>C on transcript NM_000254.3 (MANE Select); the canonical splice donor site of the intron after coding-DNA position 927, G replaced by C.
Molecular consequence: splice donor variant.
Genome position (GRCh38, 1-based): chr1:236,825,400, G>C. VCF-style: chr1-236825400-G-C. GRCh37 (hg19) VCF-style: chr1-236988700-G-C.
Other names: c.927+1G>C (NM_001291939.1, NM_001410942.1); c.-182+1G>C (NM_001291940.2).
Identifiers: ClinVar variation 641704 (VCV000641704.7), dbSNP rs1572218599, ClinGen allele CA345389795.